The following is an entry in ClinVar:

NM_001200049.3(CFAP46):c.4986C>T (p.Ile1662=)

Gene: CFAP46 (cilia and flagella associated protein 46; minus strand). Cytogenetic location: 10q26.3.
Variant type: single nucleotide variant.
Coding change: c.4986C>T on transcript NM_001200049.3 (MANE Select); coding-DNA position 4986, C replaced by T.
Protein change: p.Ile1662=; no amino-acid change (isoleucine 1662 retained).
Molecular consequence: synonymous variant.
Genome position (GRCh38, 1-based): chr10:132,860,887, G>A on the plus strand (C>T on the coding strand, the complement: CFAP46 is on the minus strand). VCF-style: chr10-132860887-G-A. GRCh37 (hg19) VCF-style: chr10-134674391-G-A.
Identifiers: ClinVar variation 2640983 (VCV002640983.24), dbSNP rs889667880, ClinGen allele CA216770666.

ClinVar aggregate classification (germline): Likely benign (1 of 4 stars; one submission).

Allele frequency attached by ClinVar (database versions not stated): gnomAD 0.00001; gnomAD exomes 0.00001; TOPMed 0.00001.
gnomAD v4.1: 20 of 1,550,758 alleles (0.0013%); highest among the groups gnomAD compares: East Asian, 0.0024%; no homozygotes.

Submission:

CeGaT Center for Human Genetics Tuebingen
Classification: Likely benign. Last evaluated: 2022-07-01. Review status: criteria provided, single submitter. Criteria: CeGaT Center For Human Genetics Tuebingen Variant Classification Criteria Version 2. Collection method: clinical testing. Allele origin: germline. Affected: yes. Observed: 1 variant allele.
Comment: CFAP46: BP4, BP7